The following is an entry in ClinVar:

ClinVar aggregate classification (germline): Benign/Likely benign. Review status: criteria provided, multiple submitters, no conflicts (2 of 4 stars). 8 submissions from 6 submitters: Benign (7); Likely benign (1). Last evaluated 2026-01-20.

Conditions:
Insulin-resistant diabetes mellitus AND acanthosis nigricans. Also called: Insulin-resistance syndrome type A; INSULIN RECEPTOR, DEFECT IN, WITH INSULIN-RESISTANT DIABETES MELLITUS AND ACANTHOSIS NIGRICANS; IRAN, TYPE A; type A insulin resistance; DIABETES MELLITUS, INSULIN-RESISTANT, WITH ACANTHOSIS NIGRICANS, TYPE A. Identifiers: Orphanet 2297, MedGen C0342278, MONDO:0012520, OMIM 610549.
Leprechaunism syndrome. Also called: Donohue syndrome; LEPRECHAUNISM. Identifiers: Orphanet 508, MedGen C0265344, MONDO:0009517, OMIM 246200.
Hyperinsulinism due to INSR deficiency. Also called: Hyperinsulinism due to glutamodehydrogenase deficiency. Identifiers: Orphanet 263458, MedGen C1864952, MONDO:0012381, OMIM 609968.
Rabson-Mendenhall syndrome. Also called: MENDENHALL SYNDROME; Pineal Hyperplasia, Insulin-Resistant Diabetes Mellitus, and Somatic Abnormalities; Pineal hyperplasia AND diabetes mellitus syndrome. Identifiers: Orphanet 769, MedGen C0271695, MONDO:0009874, OMIM 262190.

Allele frequency attached by ClinVar (database versions not stated): 1000 Genomes Project 30x 0.00328; 1000 Genomes Project 0.00339; ESP Exome Variant Server 0.00807; TOPMed 0.00807; gnomAD exomes 0.00961 and 0.01406; gnomAD 0.00966 and 0.00988; ExAC 0.00972.
gnomAD v4.1: 21,758 of 1,613,494 alleles (1.3%); highest among the groups gnomAD compares: Non-Finnish European, 1.6%; 173 homozygotes.

Submissions (8):

Labcorp Genetics (formerly Invitae), Labcorp
Classification: Benign. Last evaluated: 2026-01-20. Review status: criteria provided, single submitter. Criteria: Invitae Variant Classification Sherloc (09022015). Collection method: clinical testing. Allele origin: germline.

Genetic Services Laboratory, University of Chicago
Classification: Benign. Last evaluated: 2021-04-20. Review status: criteria provided, single submitter. Criteria: ACMG Guidelines, 2015. Collection method: clinical testing. Allele origin: germline. Affected: no.

ARUP Laboratories, Molecular Genetics and Genomics, ARUP Laboratories
Classification: Benign. Last evaluated: 2020-12-08. Review status: criteria provided, single submitter. Criteria: ARUP Molecular Germline Variant Investigation Process 2021. Collection method: clinical testing. Allele origin: germline.

Illumina Laboratory Services, Illumina
Classification: Benign for Leprechaunism syndrome. Last evaluated: 2018-01-13. Review status: criteria provided, single submitter. Criteria: ICSL Variant Classification Criteria 13 December 2019. Collection method: clinical testing. Allele origin: germline.
Comment: This variant was observed in the ICSL laboratory as part of a predisposition screen in an ostensibly healthy population. It had not been previously curated by ICSL or reported in the Human Gene Mutation Database (HGMD: prior to June 1st, 2018), and was therefore a candidate for classification through an automated scoring system. Utilizing variant allele frequency, disease prevalence and penetrance estimates, and inheritance mode, an automated score was calculated to assess if this variant is too frequent to cause the disease. Based on the score and internal cut-off values, a variant classified as benign is not then subjected to further curation. The score for this variant resulted in a classification of benign for this disease.

Illumina Laboratory Services, Illumina
Classification: Benign for Rabson-Mendenhall syndrome. Last evaluated: 2018-01-13. Review status: criteria provided, single submitter. Criteria: ICSL Variant Classification Criteria 13 December 2019. Collection method: clinical testing. Allele origin: germline.
Comment: the same text as in the submission from Illumina Laboratory Services, Illumina above.

Illumina Laboratory Services, Illumina
Classification: Benign for Insulin-resistant diabetes mellitus AND acanthosis nigricans. Last evaluated: 2018-01-13. Review status: criteria provided, single submitter. Criteria: ICSL Variant Classification Criteria 13 December 2019. Collection method: clinical testing. Allele origin: germline.
Comment: the same text as in the submission from Illumina Laboratory Services, Illumina above.

Breakthrough Genomics
Classification: Benign. Review status: criteria provided, single submitter. Criteria: ACMG Guidelines, 2015. Collection method: not provided. Allele origin: germline. Inheritance: Autosomal recessive inheritance. Affected: yes.

Clinical Genomics, Uppaluri K&H Personalized Medicine Clinic
Classification: Likely benign for Hyperinsulinism due to INSR deficiency. Review status: criteria provided, single submitter. Criteria: K And H Uppaluri Personalized Medicine Clinic Variant Classification And Assertion Criteria Updated V 2. Collection method: research. Allele origin: unknown. Inheritance: Autosomal dominant inheritance.
Comment: Potent mutations in INSR gene can lead to insulin resistance, which presents as impaired glucose tolerance, early onset type 2 diabetes, post prandial hyperglycemia and increased insulin requirement in type 1 diabetes. These mutations in INSR gene can also predispose to coronary artery disease, metabolic syndrome, polycystic ovarian disease and non alcoholic fatty liver disease.However, the role of this particular variant rs2229435 with early onset diabetes mellitus is yet to be ascertained.

Literature cited by the submitters: PubMed 35000900 (cited by Clinical Genomics, Uppaluri K&H Personalized Medicine Clinic); PubMed 31989990 (cited by Clinical Genomics, Uppaluri K&H Personalized Medicine Clinic); PubMed 23705494 (cited by Clinical Genomics, Uppaluri K&H Personalized Medicine Clinic).

NM_000208.4(INSR):c.1098T>C (p.Ser366=)

Gene: INSR (insulin receptor; minus strand). Cytogenetic location: 19p13.2.
Variant type: single nucleotide variant.
Coding change: c.1098T>C on transcript NM_000208.4 (MANE Select); coding-DNA position 1098, T replaced by C.
Protein change: p.Ser366=; no amino-acid change (serine 366 retained).
Molecular consequence: synonymous variant.
Genome position (GRCh38, 1-based): chr19:7,174,608, A>G on the plus strand (T>C on the coding strand, the complement: INSR is on the minus strand). VCF-style: chr19-7174608-A-G. GRCh37 (hg19) VCF-style: chr19-7174619-A-G.
Other names: c.1098T>C, p.Ser366= (NM_001079817.3).
Identifiers: ClinVar variation 330473 (VCV000330473.24), dbSNP rs2229435, ClinGen allele CA9135928.
Genomic context (GRCh38, chr19:7,174,608, plus strand): 5'-ACAGGCACCCCCGACGCCCACACAGAGACACTCACTGCCTCCTCGAATGTTGATGATCAG[A>G]CTCCCGTTGATGACGGTGCATCCTCGGAGCTCCTGGGCAGACGTCACCGAGTCGATGGTC-3'
Protein context (NP_000199.2, residues 356-376): ELRGCTVING[Ser366=]LIINIRGGNN